The following is an entry in ClinVar:

ClinVar aggregate classification (germline): Likely benign. Review status: reviewed by expert panel (3 of 4 stars). 3 submissions from 3 submitters: Likely benign (1). 2 of the submissions do not count toward it. Last evaluated 2022-02-12.

Conditions:
Overgrowth syndrome and/or cerebral malformations due to abnormalities in MTOR pathway genes. Identifiers: MedGen CN300503, MONDO:0100283.

Allele frequency attached by ClinVar (database versions not stated): TOPMed below 0.00001; gnomAD 0.00002; gnomAD exomes 0.00006 and 0.00010; ExAC 0.00012.
gnomAD v4.1: 93 of 1,613,990 alleles (0.0058%); highest among the groups gnomAD compares: South Asian, 0.083%; 1 homozygote.

Submissions (3):

ClinGen Brain Malformations Variant Curation Expert Panel
Classification: Likely benign for Overgrowth syndrome and/or cerebral malformations due to abnormalities in MTOR pathway genes. Last evaluated: 2022-02-12. Review status: reviewed by expert panel. Criteria: ClinGen BrainMalform ACMG Specifications v1. Collection method: curation. Allele origin: germline. Inheritance: Autosomal dominant inheritance.
Comment: The c.706-18C>A (NM_004958.4) variant in MTOR is a synonymous (silent) variant that occurs at a nucleotide that is not conserved according to a PhyloP <0.1 (BP7). The results from in silico splicing predictors MaxEntScan, spliceAI and varSEAK support that this variant does not affect splicing (BP4). The highest population minor allele frequency in gnomAD v2.1.1 is 0.0007839 in South Asian population, which is higher than the ClinGen BMEP threshold ([>0.00037]) for BS1, and therefore meets this criterion (BS1). In summary, this variant meets the criteria to be classified as Likely benign for mosaic autosomal dominant overgrowth with or without cerebral malformations due to abnormalities in MTOR-pathway genes based on the ACMG/AMP criteria applied, as specified by the ClinGen Brain Malformations Expert Panel: BS1, BP4, BP7; -6 points (VCEP specifications version 1; Approved: 1/31/2021)

Labcorp Genetics (formerly Invitae), Labcorp
Classification: Benign. Last evaluated: 2025-12-08. Review status: criteria provided, single submitter. Criteria: Invitae Variant Classification Sherloc (09022015). Collection method: clinical testing. Allele origin: germline. Not counted in ClinVar's aggregate classification.

Blueprint Genetics
Classification: Likely benign. Last evaluated: 2024-04-12. Review status: criteria provided, single submitter. Criteria: ACMG Guidelines, 2015. Collection method: clinical testing. Allele origin: germline. Not counted in ClinVar's aggregate classification.

NM_004958.4(MTOR):c.706-18C>A

Gene: MTOR (mechanistic target of rapamycin kinase; minus strand). Cytogenetic location: 1p36.22.
Variant type: single nucleotide variant.
Coding change: c.706-18C>A on transcript NM_004958.4 (MANE Select); 18 bases into the intron before coding-DNA position 706, C replaced by A.
Molecular consequence: intron variant.
Genome position (GRCh38, 1-based): chr1:11,253,991, G>T on the plus strand (C>A on the coding strand, the complement: MTOR is on the minus strand). VCF-style: chr1-11253991-G-T. GRCh37 (hg19) VCF-style: chr1-11314048-G-T.
Other names: NM_004958.3:c.706-18C>A; c.-434-18C>A (NM_001386501.1); c.706-18C>A (NM_001386500.1).
Identifiers: ClinVar variation 1296986 (VCV001296986.13), dbSNP rs778886695, ClinGen allele CA590885.